The following is an entry in ClinVar:

ClinVar aggregate classification (germline): Uncertain significance (1 of 4 stars; one submission).

Allele frequency attached by ClinVar (database versions not stated): TOPMed 0.00001; gnomAD 0.00002.
gnomAD v4.1: 31 of 1,614,080 alleles (0.0019%); highest among the groups gnomAD compares: Non-Finnish European, 0.0025%; no homozygotes.

Submission:

Ambry Genetics
Classification: Uncertain significance. Last evaluated: 2025-09-10. Review status: criteria provided, single submitter. Criteria: Ambry Variant Classification Scheme 2023. Collection method: clinical testing. Allele origin: germline.
Comment: The p.P247L variant (also known as c.740C>T), located in coding exon 6 of the RINT1 gene, results from a C to T substitution at nucleotide position 740. The proline at codon 247 is replaced by leucine, an amino acid with similar properties. This amino acid position is poorly conserved in available vertebrate species. In addition, this alteration is predicted to be tolerated by in silico analysis. Since supporting evidence is limited at this time, the clinical significance of this alteration remains unclear.

NM_021930.6(RINT1):c.740C>T (p.Pro247Leu)

Gene: RINT1 (RAD50 interactor 1; plus strand). Cytogenetic location: 7q22.3.
Variant type: single nucleotide variant.
Coding change: c.740C>T on transcript NM_021930.6 (MANE Select); coding-DNA position 740, C replaced by T.
Protein change: p.Pro247Leu; replaces proline 247 with leucine.
Molecular consequence: missense variant. On other transcripts: 5 prime UTR variant (2), non-coding transcript variant (1), intron variant (1).
Genome position (GRCh38, 1-based): chr7:105,547,234, C>T. VCF-style: chr7-105547234-C-T. GRCh37 (hg19) VCF-style: chr7-105187681-C-T.
Other names: c.506C>T, p.Pro169Leu (NM_001346599.2); c.-280C>T (NM_001346600.2); c.-183C>T (NM_001346601.2); c.-27-2821C>T (NM_001346603.2); short protein forms P169L, P247L.
Identifiers: ClinVar variation 1758777 (VCV001758777.4), dbSNP rs1327540322, ClinGen allele CA368806286.